The following is an entry in ClinVar:

ClinVar aggregate classification (germline): Uncertain significance. Review status: criteria provided, multiple submitters, no conflicts (2 of 4 stars). 2 submissions from 2 submitters: Uncertain significance (2). Last evaluated 2026-09-16.

Conditions:
Adenylosuccinate lyase deficiency (ADSLD). Also called: ADSL DEFICIENCY. Identifiers: Orphanet 46, MedGen C0268126, MONDO:0007068, OMIM 103050.

Allele frequency attached by ClinVar (database versions not stated): gnomAD exomes below 0.00001; ExAC 0.00001.
gnomAD v4.1: 2 of 1,613,872 alleles (0.00012%); highest among the groups gnomAD compares: Admixed American, 0.0033%; no homozygotes.

Submissions (2):

GeneDx
Classification: Uncertain significance. Last evaluated: 2026-09-16. Review status: criteria provided, single submitter. Criteria: GeneDx Variant Classification Process June 2021. Collection method: clinical testing. Allele origin: germline.
Comment: Not observed at significant frequency in large population cohorts (gnomAD); In silico analysis supports that this missense variant has a deleterious effect on protein structure/function; Has not been previously published as pathogenic or benign to our knowledge

Labcorp Genetics (formerly Invitae), Labcorp
Classification: Uncertain significance for Adenylosuccinate lyase deficiency. Last evaluated: 2022-07-19. Review status: criteria provided, single submitter. Criteria: Invitae Variant Classification Sherloc (09022015). Collection method: clinical testing. Allele origin: germline.
Comment: This sequence change replaces glycine, which is neutral and non-polar, with aspartic acid, which is acidic and polar, at codon 54 of the ADSL protein (p.Gly54Asp). This variant is present in population databases (rs765813625, gnomAD 0.003%). This variant has not been reported in the literature in individuals affected with ADSL-related conditions. ClinVar contains an entry for this variant (Variation ID: 855926). Algorithms developed to predict the effect of missense changes on protein structure and function (SIFT, PolyPhen-2, Align-GVGD) all suggest that this variant is likely to be disruptive. In summary, the available evidence is currently insufficient to determine the role of this variant in disease. Therefore, it has been classified as a Variant of Uncertain Significance.

NM_000026.4(ADSL):c.161G>A (p.Gly54Asp)

Gene: ADSL (adenylosuccinate lyase; plus strand). Cytogenetic location: 22q13.1.
Variant type: single nucleotide variant.
Coding change: c.161G>A on transcript NM_000026.4 (MANE Select); coding-DNA position 161, G replaced by A.
Protein change: p.Gly54Asp; replaces glycine 54 with aspartic acid.
Molecular consequence: missense variant. On other transcripts: 5 prime UTR variant (1), non-coding transcript variant (1).
Genome position (GRCh38, 1-based): chr22:40,349,839, G>A. VCF-style: chr22-40349839-G-A. GRCh37 (hg19) VCF-style: chr22-40745843-G-A.
Other names: c.161G>A, p.Gly54Asp (NM_001123378.3, NM_001363840.3); c.-32G>A (NM_001317923.2); short protein forms G54D.
Identifiers: ClinVar variation 855926 (VCV000855926.10), dbSNP rs765813625, ClinGen allele CA10247639.